The following is an entry in ClinVar:

ClinVar aggregate classification (germline): Benign. Review status: criteria provided, multiple submitters, no conflicts (2 of 4 stars). 6 submissions from 6 submitters: Benign (5). 1 of the submissions does not count toward it. Last evaluated 2026-02-04.

Conditions:
LRRC56-related disorder. Also called: LRRC56-related condition.
Ciliary dyskinesia, primary, 39. Also called: CILIARY DYSKINESIA, PRIMARY, 39, WITH OR WITHOUT SITUS INVERSUS. Identifiers: MedGen C4748841, MONDO:0032637, OMIM 618254.

Allele frequency attached by ClinVar (database versions not stated): ESP Exome Variant Server 0.78768; 1000 Genomes Project 30x 0.79169; 1000 Genomes Project 0.79393; TOPMed 0.79585; ExAC 0.81695.
gnomAD v4.1: 1,301,113 of 1,592,500 alleles (82%); highest among the groups gnomAD compares: East Asian, 89%; 532,744 homozygotes.

Submissions (6):

Labcorp Genetics (formerly Invitae), Labcorp
Classification: Benign. Last evaluated: 2026-02-04. Review status: criteria provided, single submitter. Criteria: Invitae Variant Classification Sherloc (09022015). Collection method: clinical testing. Allele origin: germline.

Blueprint Genetics
Classification: Benign. Last evaluated: 2024-11-27. Review status: criteria provided, single submitter. Criteria: ACMG Guidelines, 2015. Collection method: clinical testing. Allele origin: germline.

Genome-Nilou Lab
Classification: Benign for Ciliary dyskinesia, primary, 39. Last evaluated: 2021-08-19. Review status: criteria provided, single submitter. Criteria: ACMG Guidelines, 2015. Collection method: clinical testing. Allele origin: germline. Affected: no.

GeneDx
Classification: Benign. Last evaluated: 2020-09-28. Review status: criteria provided, single submitter. Criteria: GeneDx Variant Classification Process June 2021. Collection method: clinical testing. Allele origin: germline. Affected: yes.

Breakthrough Genomics
Classification: Benign. Review status: criteria provided, single submitter. Criteria: ACMG Guidelines, 2015. Collection method: not provided. Allele origin: germline. Inheritance: Autosomal recessive inheritance. Affected: yes.

PreventionGenetics, part of Exact Sciences
Classification: Benign for LRRC56-related condition. Last evaluated: 2019-10-17. Review status: no assertion criteria provided. Collection method: clinical testing. Allele origin: germline. Not counted in ClinVar's aggregate classification.
Comment: This variant is classified as benign based on ACMG/AMP sequence variant interpretation guidelines (Richards et al. 2015 PMID: 25741868, with internal and published modifications).

NM_198075.4(LRRC56):c.1519C>G (p.Arg507Gly)

Gene: LRRC56 (leucine rich repeat containing 56; plus strand). Cytogenetic location: 11p15.5.
Variant type: single nucleotide variant.
Coding change: c.1519C>G on transcript NM_198075.4 (MANE Select); coding-DNA position 1519, C replaced by G.
Protein change: p.Arg507Gly; replaces arginine 507 with glycine.
Molecular consequence: missense variant.
Genome position (GRCh38, 1-based): chr11:554,166, C>G. VCF-style: chr11-554166-C-G. GRCh37 (hg19) VCF-style: chr11-554166-C-G.
Other names: short protein forms R507G.
Identifiers: ClinVar variation 1286573 (VCV001286573.15), dbSNP rs10902170, ClinGen allele CA5780125.
Genomic context (GRCh38, chr11:554,166, plus strand): 5'-CCTGGCCTGGGTGATGGGGTGGCTGCAGTGCCTGTCCTGAGAGCCCTGGAGGTGGCCTCA[C>G]GCCTGAGCCCTCGAGCCCAGGGATGTCCTGGCCCAAAGCCAGCACCAGATGCAGCAGCTA-3'
Protein context (NP_932341.1, residues 497-517): PVLRALEVAS[Arg507Gly]LSPRAQGCPG